The following is an entry in ClinVar:

NM_000057.4(BLM):c.3550A>T (p.Asn1184Tyr)

Gene: BLM (BLM RecQ like helicase; plus strand). Cytogenetic location: 15q26.1.
Variant type: single nucleotide variant.
Coding change: c.3550A>T on transcript NM_000057.4 (MANE Select); coding-DNA position 3550, A replaced by T.
Protein change: p.Asn1184Tyr; replaces asparagine 1184 with tyrosine.
Molecular consequence: missense variant. On other transcripts: intron variant (1).
Genome position (GRCh38, 1-based): chr15:90,803,712, A>T. VCF-style: chr15-90803712-A-T. GRCh37 (hg19) VCF-style: chr15-91346942-A-T.
Other names: c.3550A>T, p.Asn1184Tyr (NM_001287246.2); c.2425A>T, p.Asn809Tyr (NM_001287248.2); c.3358+5375A>T (NM_001287247.2); short protein forms N809Y, N1184Y.
Identifiers: ClinVar variation 863479 (VCV000863479.15), dbSNP rs1463025227, ClinGen allele CA393847841.
Genomic context (GRCh38, chr15:90,803,712, plus strand): 5'-AATGACCAGGCGATCGCTTATGTGATGCTCGGAAATAAAGCCCAAACTGTACTAAATGGC[A>T]ATTTAAAGGTATAGTATTTTTCATGTTTATTTTATTATCTCACAATGAGTGAACCAAAAT-3'
Protein context (NP_000048.1, residues 1174-1194): GNKAQTVLNG[Asn1184Tyr]LKVDFMETEN

ClinVar aggregate classification (germline): Uncertain significance. Review status: criteria provided, single submitter (1 of 4 stars). 2 submissions from 2 submitters: Uncertain significance (1). 1 of the submissions does not count toward it. Last evaluated 2025-04-07.

Conditions:
Bloom syndrome (BLM). Also called: Bloom-Torre-Machacek syndrome. Identifiers: Orphanet 125, MedGen C0005859, MONDO:0008876, OMIM 210900.

Submissions (2):

Labcorp Genetics (formerly Invitae), Labcorp
Classification: Uncertain significance for Bloom syndrome. Last evaluated: 2025-04-07. Review status: criteria provided, single submitter. Criteria: Invitae Variant Classification Sherloc (09022015). Collection method: clinical testing. Allele origin: germline.
Comment: This sequence change replaces asparagine, which is neutral and polar, with tyrosine, which is neutral and polar, at codon 1184 of the BLM protein (p.Asn1184Tyr). This variant is not present in population databases (gnomAD no frequency). This variant has not been reported in the literature in individuals affected with BLM-related conditions. ClinVar contains an entry for this variant (Variation ID: 863479). Invitae Evidence Modeling of protein sequence and biophysical properties (such as structural, functional, and spatial information, amino acid conservation, physicochemical variation, residue mobility, and thermodynamic stability) indicates that this missense variant is not expected to disrupt BLM protein function with a negative predictive value of 80%. In summary, the available evidence is currently insufficient to determine the role of this variant in disease. Therefore, it has been classified as a Variant of Uncertain Significance.

Natera, Inc.
Classification: Uncertain significance for Bloom syndrome. Last evaluated: 2020-12-02. Review status: no assertion criteria provided. Collection method: clinical testing. Allele origin: germline. Not counted in ClinVar's aggregate classification.